The following is an entry in ClinVar:

ClinVar aggregate classification (germline): Uncertain significance (1 of 4 stars; one submission).

Conditions:
Epilepsy, familial focal, with variable foci 3 (FFEVF3). Identifiers: MedGen C4310708, MONDO:0014925, OMIM 617118.

Allele frequency attached by ClinVar (database versions not stated): gnomAD 0.00001; gnomAD exomes 0.00001; TOPMed 0.00001; ExAC 0.00003.

Submission:

Labcorp Genetics (formerly Invitae), Labcorp
Classification: Uncertain significance for Epilepsy, familial focal, with variable foci 3. Last evaluated: 2025-08-18. Review status: criteria provided, single submitter. Criteria: Invitae Variant Classification Sherloc (09022015). Collection method: clinical testing. Allele origin: germline.
Comment: This sequence change replaces alanine, which is neutral and non-polar, with threonine, which is neutral and polar, at codon 134 of the NPRL3 protein (p.Ala134Thr). The frequency data for this variant in the population databases is considered unreliable, as metrics indicate poor data quality at this position in the gnomAD database. This missense change has been observed in individual(s) with NPRL3-related conditions (PMID: 36937533). ClinVar contains an entry for this variant (Variation ID: 1371932). Invitae Evidence Modeling of protein sequence and biophysical properties (such as structural, functional, and spatial information, amino acid conservation, physicochemical variation, residue mobility, and thermodynamic stability) indicates that this missense variant is not expected to disrupt NPRL3 protein function with a negative predictive value of 80%. In summary, the available evidence is currently insufficient to determine the role of this variant in disease. Therefore, it has been classified as a Variant of Uncertain Significance.

Literature cited by the submitters: PubMed 36937533.

NM_001077350.3(NPRL3):c.400G>A (p.Ala134Thr)

Genes: HBA-LCR (alpha-globin locus control region; plus strand), NPRL3 (NPR3 like, GATOR1 complex subunit; minus strand). Cytogenetic location: 16p13.3.
Variant type: single nucleotide variant.
Coding change: c.400G>A on transcript NM_001077350.3 (MANE Select); coding-DNA position 400, G replaced by A.
Protein change: p.Ala134Thr; replaces alanine 134 with threonine.
Molecular consequence: missense variant. On other transcripts: 5 prime UTR variant (1).
Genome position (GRCh38, 1-based): chr16:112,769, C>T on the plus strand (G>A on the coding strand, the complement: NPRL3 is on the minus strand). VCF-style: chr16-112769-C-T. GRCh37 (hg19) VCF-style: chr16-162768-C-T.
Other names: c.-138G>A (NM_001039476.3); c.166G>A, p.Ala56Thr (NM_001243247.2); c.325G>A, p.Ala109Thr (NM_001243248.2, NM_001243249.2); short protein forms A109T, A134T, A56T.
Identifiers: ClinVar variation 1371932 (VCV001371932.6), dbSNP rs779581743, ClinGen allele CA7769670.